The following is an entry in ClinVar:

NM_001006630.2(CHRM2):c.-46-328T>C

Genes: CHRM2 (cholinergic receptor muscarinic 2; plus strand), LOC349160 (uncharacterized LOC349160; minus strand). Cytogenetic location: 7q33.
Variant type: single nucleotide variant.
Coding change: c.-46-328T>C on transcript NM_001006630.2 (MANE Select); 328 bases into the intron before 46 bases upstream of the start codon, T replaced by C.
Molecular consequence: intron variant.
Genome position (GRCh38, 1-based): chr7:137,014,492, T>C. VCF-style: chr7-137014492-T-C. GRCh37 (hg19) VCF-style: chr7-136699239-T-C.
Other names: c.-46-328T>C (NM_001378972.1, NM_001006627.3, NM_001006626.3 and 6 more transcripts).
Identifiers: ClinVar variation 671346 (VCV000671346.1), dbSNP rs17168883, ClinGen allele CA167698487.

ClinVar aggregate classification (germline): Likely benign (1 of 4 stars; one submission).

Allele frequency attached by ClinVar (database versions not stated): 1000 Genomes Project 0.01078; 1000 Genomes Project 30x 0.01109; gnomAD 0.01495 and 0.01594; TOPMed 0.01658.
gnomAD v4.1: 2,342 of 152,162 alleles (1.5%); highest among the groups gnomAD compares: Non-Finnish European, 2.1%; 29 homozygotes.

Submission:

GeneDx
Classification: Likely benign. Last evaluated: 2018-06-14. Review status: criteria provided, single submitter. Criteria: GeneDx Variant Classification (06012015). Collection method: clinical testing. Allele origin: germline. Affected: yes.
Comment: This variant is considered likely benign or benign based on one or more of the following criteria: it is a conservative change, it occurs at a poorly conserved position in the protein, it is predicted to be benign by multiple in silico algorithms, and/or has population frequency not consistent with disease.